The following is an entry in ClinVar:

ClinVar aggregate classification (germline): Conflicting classifications of pathogenicity. Review status: criteria provided, conflicting classifications (1 of 4 stars). 2 submissions from 2 submitters: Uncertain significance (1); Benign (1). Last evaluated 2025-10-01.

Conditions:
Inborn genetic diseases. Identifiers: MedGen C0950123, MeSH D030342.
CHARGE syndrome (CHARGE). Also called: Hittner Hirsch Kreh syndrome; Coloboma, heart anomaly, choanal atresia, retardation, genital and ear anomalies; CHARGE association; Hall-Hittner syndrome; CHARGE ASSOCIATION--COLOBOMA, HEART ANOMALY, CHOANAL ATRESIA, RETARDATION, GENITAL AND EAR ANOMALIES. Identifiers: Orphanet 138, MedGen C0265354, MONDO:0008965.

Allele frequency attached by ClinVar (database versions not stated): gnomAD exomes below 0.00001 and 0.00001; gnomAD 0.00001; ExAC 0.00002; TOPMed 0.00002; ESP Exome Variant Server 0.00008.
gnomAD v4.1: 6 of 1,613,784 alleles (0.00037%); highest among the groups gnomAD compares: African/African-American, 0.0067%; no homozygotes.

Submissions (2):

Labcorp Genetics (formerly Invitae), Labcorp
Classification: Benign for CHARGE syndrome. Last evaluated: 2025-10-01. Review status: criteria provided, single submitter. Criteria: Invitae Variant Classification Sherloc (09022015). Collection method: clinical testing. Allele origin: germline.

Ambry Genetics
Classification: Uncertain significance for Inborn genetic diseases. Last evaluated: 2024-02-17. Review status: criteria provided, single submitter. Criteria: Ambry Variant Classification Scheme 2023. Collection method: clinical testing. Allele origin: germline.
Comment: The p.P2120A variant (also known as c.6358C>G), located in coding exon 30 of the CHD7 gene, results from a C to G substitution at nucleotide position 6358. The proline at codon 2120 is replaced by alanine, an amino acid with highly similar properties. This amino acid position is conserved. In addition, the in silico prediction for this alteration is inconclusive. Based on the available evidence, the clinical significance of this alteration remains unclear.

NM_017780.4(CHD7):c.6358C>G (p.Pro2120Ala)

Gene: CHD7 (chromodomain helicase DNA binding protein 7; plus strand). Cytogenetic location: 8q12.2.
Variant type: single nucleotide variant.
Coding change: c.6358C>G on transcript NM_017780.4 (MANE Select); coding-DNA position 6358, C replaced by G.
Protein change: p.Pro2120Ala; replaces proline 2120 with alanine.
Molecular consequence: missense variant. On other transcripts: intron variant (1).
Genome position (GRCh38, 1-based): chr8:60,853,083, C>G. VCF-style: chr8-60853083-C-G. GRCh37 (hg19) VCF-style: chr8-61765642-C-G.
Other names: c.1717-9146C>G (NM_001316690.1); c.6358C>G (NM_017780.3); short protein forms P2120A.
Identifiers: ClinVar variation 1012094 (VCV001012094.9), dbSNP rs375490876, ClinGen allele CA4760577.